The following is an entry in ClinVar:

ClinVar aggregate classification (germline): Pathogenic. Review status: criteria provided, single submitter (1 of 4 stars). 2 submissions from 2 submitters: Pathogenic (1). 1 of the submissions does not count toward it. Last evaluated 2025-12-10.

Conditions:
Autosomal recessive nonsyndromic hearing loss 18B. Also called: Deafness, autosomal recessive 18b. Identifiers: Orphanet 90636, MedGen C3554163, MONDO:0013985, OMIM 614945.
Aniridia 1 (AN1). Identifiers: Orphanet 250923, MedGen C0344542, MONDO:0024507, OMIM 106210.

Submissions (2):

Variantyx, Inc.
Classification: Pathogenic for Autosomal recessive nonsyndromic hearing loss 18B. Last evaluated: 2025-12-10. Review status: criteria provided, single submitter. Criteria: Variantyx Assertion Criteria 2022. Collection method: clinical testing. Allele origin: de novo. Inheritance: Autosomal dominant inheritance. Affected: yes.
Comment: This is a canonical splicing variant in the PAX6 gene (OMIM: 607108). Pathogenic variants in this gene have been associated with autosomal dominant aniridia. This splicing variant is expected to result in loss of function, which is a known disease mechanism for PAX6 in this disorder (PMID: 12634864) (PVS1).It has been reported in at least three unrelated affected individuals (PMID: 31106028, 39212610, 32360764) (PS4_Moderate), while it is absent from control populations (PM2). Based on the current evidence, this variant is classified as pathogenic for autosomal dominant aniridia.

Wessex Regional Genetics Laboratory, Salisbury District Hospital
Classification: Pathogenic for Aniridia 1. Last evaluated: 2019-08-15. Review status: no assertion criteria provided. Criteria: ACMG Guidelines, 2015. Collection method: clinical testing. Allele origin: unknown. Inheritance: Autosomal dominant inheritance. Affected: yes. Not counted in ClinVar's aggregate classification.

Literature cited by the submitters: PubMed 31106028 (cited by Variantyx, Inc.); PubMed 39212610 (cited by Variantyx, Inc.); PubMed 32360764 (cited by Variantyx, Inc.).

NM_001368894.2(PAX6):c.1075-1G>A

Gene: PAX6 (paired box 6; minus strand). Cytogenetic location: 11p13.
Variant type: single nucleotide variant.
Coding change: c.1075-1G>A on transcript NM_001368894.2 (MANE Select); the canonical splice acceptor site of the intron before coding-DNA position 1075, G replaced by A.
Molecular consequence: splice acceptor variant. On other transcripts: intron variant (9).
Genome position (GRCh38, 1-based): chr11:31,790,861, C>T on the plus strand (G>A on the coding strand, the complement: PAX6 is on the minus strand). VCF-style: chr11-31790861-C-T. GRCh37 (hg19) VCF-style: chr11-31812409-C-T.
Other names: c.1033-1G>A (NM_001127612.3, NM_001368890.2, NM_001368888.2 and 6 more transcripts); c.874-842G>A (NM_001368921.2); c.874-1G>A (NM_001368923.2, NM_001368926.2, NM_001368927.2 and 3 more transcripts); c.1075-1G>A (NM_001258462.3, NM_001310158.2, NM_001258463.2 and 3 more transcripts); c.1150-1G>A (NM_001368919.2, NM_001368918.2); c.1033-842G>A (NM_001368915.2, NM_001368917.2, NM_001368916.2); c.1075-842G>A (NM_001368914.2, NM_001368912.2, NM_001368913.2); c.1276-1G>A (NM_001368910.2); and 6 more.
Identifiers: ClinVar variation 800470 (VCV000800470.2), dbSNP rs1592370265, ClinGen allele CA379967602.